The following is an entry in ClinVar:

ClinVar aggregate classification (germline): Benign (1 of 4 stars; one submission).

Submission:

Unidad de Genómica Garrahan, Hospital de Pediatría Garrahan
Classification: Benign. Last evaluated: 2024-01-24. Review status: criteria provided, single submitter. Criteria: ACMG Guidelines, 2015. Collection method: clinical testing. Allele origin: germline. Affected: no. Observed: 42 variant alleles.
Comment: This variant is classified as Benign based on local population frequency. This variant was detected in 44% of patients studied by a panel of primary immunodeficiencies. Number of patients: 42. Only high quality variants are reported.

NM_001330700.2(TOP2B):c.3259+50dup

Gene: TOP2B (DNA topoisomerase II beta; minus strand). Cytogenetic location: 3p24.2.
Variant type: Duplication.
Coding change: c.3259+50dup on transcript NM_001330700.2 (MANE Select); 50 bases into the intron after coding-DNA position 3259, one base duplicated (A; older notation c.3259+50dupA).
Molecular consequence: intron variant.
Genome position (GRCh38, 1-based): chr3:25,618,604, T duplicated on the plus strand (A on the coding strand, the reverse complement: TOP2B is on the minus strand); the first of 8 consecutive T bases (chr3:25,618,604-25,618,611); duplicating any one gives the same sequence. VCF-style (leftmost placement, unchanged base first): chr3-25618603-G-GT. GRCh37 (hg19) VCF-style: chr3-25660094-G-GT.
Other names: c.3244+50dup (NM_001068.3).
Identifiers: ClinVar variation 2688153 (VCV002688153.2), dbSNP rs3835194, ClinGen allele CA71635864.